The following is an entry in ClinVar:

ClinVar aggregate classification (germline): Uncertain significance (1 of 4 stars; one submission).

Conditions:
Autosomal dominant familial hematuria-retinal arteriolar tortuosity-contractures syndrome. Also called: Angiopathy, hereditary, with nephropathy, aneurysms, and muscle cramps; Hereditary Angiopathy with Nephropathy, Aneurysms, and Muscle Cramps (HANAC) Syndrome. Identifiers: Orphanet 73229, MedGen C2673195, MONDO:0012726, OMIM 611773.

Submission:

MVZ Medizinische Genetik Mainz
Classification: Uncertain significance for Autosomal dominant familial hematuria-retinal arteriolar tortuosity-contractures syndrome. Last evaluated: 2026-06-12. Review status: criteria provided, single submitter. Criteria: UK Practice Guidelines For Variant Classification V4 01 2020. Collection method: clinical testing. Allele origin: germline. Inheritance: Autosomal dominant inheritance. Observed: 1 variant allele.
Comment: ACMG Criteria: PP3_STR,PM2_SUP

NM_001845.6(COL4A1):c.344G>A (p.Gly115Asp)

Gene: COL4A1 (collagen type IV alpha 1 chain; minus strand). Cytogenetic location: 13q34.
Variant type: single nucleotide variant.
Coding change: c.344G>A on transcript NM_001845.6 (MANE Select); coding-DNA position 344, G replaced by A.
Protein change: p.Gly115Asp; replaces glycine 115 with aspartic acid.
Molecular consequence: missense variant.
Genome position (GRCh38, 1-based): chr13:110,212,460, C>T on the plus strand (G>A on the coding strand, the complement: COL4A1 is on the minus strand). VCF-style: chr13-110212460-C-T. GRCh37 (hg19) VCF-style: chr13-110864807-C-T.
Other names: c.344G>A, p.Gly115Asp (NM_001303110.2); short protein forms G115D.
Identifiers: ClinVar variation 4857275 (VCV004857275.1).